The following is an entry in ClinVar:

ClinVar aggregate classification (germline): Uncertain significance (1 of 4 stars; one submission).

Allele frequency attached by ClinVar (database versions not stated): gnomAD exomes 0.00001; TOPMed 0.00001.

Submission:

Labcorp Genetics (formerly Invitae), Labcorp
Classification: Uncertain significance. Last evaluated: 2023-07-26. Review status: criteria provided, single submitter. Criteria: Invitae Variant Classification Sherloc (09022015). Collection method: clinical testing. Allele origin: germline.
Comment: This sequence change replaces methionine, which is neutral and non-polar, with valine, which is neutral and non-polar, at codon 1075 of the AP3D1 protein (p.Met1075Val). This variant is present in population databases (no rsID available, gnomAD 0.0009%). This variant has not been reported in the literature in individuals affected with AP3D1-related conditions. An algorithm developed to predict the effect of missense changes on protein structure and function (PolyPhen-2) suggests that this variant is likely to be tolerated. In summary, the available evidence is currently insufficient to determine the role of this variant in disease. Therefore, it has been classified as a Variant of Uncertain Significance.

NM_001261826.3(AP3D1):c.3223A>G (p.Met1075Val)

Gene: AP3D1 (adaptor related protein complex 3 subunit delta 1; minus strand). Cytogenetic location: 19p13.3.
Variant type: single nucleotide variant.
Coding change: c.3223A>G on transcript NM_001261826.3 (MANE Select); coding-DNA position 3223, A replaced by G.
Protein change: p.Met1075Val; replaces methionine 1075 with valine.
Molecular consequence: missense variant.
Genome position (GRCh38, 1-based): chr19:2,110,177, T>C on the plus strand (A>G on the coding strand, the complement: AP3D1 is on the minus strand). VCF-style: chr19-2110177-T-C. GRCh37 (hg19) VCF-style: chr19-2110176-T-C.
Other names: c.3187A>G, p.Met1063Val (NM_001374799.1); c.3037A>G, p.Met1013Val (NM_003938.8); short protein forms M1075V, M1013V, M1063V.
Identifiers: ClinVar variation 2786987 (VCV002786987.3), dbSNP rs1334329768, ClinGen allele CA403201643.